The following is an entry in ClinVar:

NM_002637.4(PHKA1):c.3280_3283del (p.Ser1094fs)

Gene: PHKA1 (phosphorylase kinase regulatory subunit alpha 1; minus strand). Cytogenetic location: Xq13.1.
Variant type: Microsatellite.
Coding change: c.3280_3283del on transcript NM_002637.4 (MANE Select); coding-DNA positions 3280 to 3283, 4 bases deleted (TCCT; older notation c.3280_3283delTCCT).
Protein change: p.Ser1094fs; shifts the reading frame from serine 1094.
Molecular consequence: frameshift variant.
Genome position (GRCh38, 1-based): chrX:72,584,263-72,584,266, AGGA deleted on the plus strand (TCCT on the coding strand, the reverse complement: PHKA1 is on the minus strand); deleting any 4 consecutive bases within chrX:72,584,263-72,584,274 gives the same sequence; the c. name uses the placement nearest the transcript's 3' end. VCF-style (leftmost placement, unchanged base first): chrX-72584262-GAGGA-G. GRCh37 (hg19) VCF-style: chrX-71804112-GAGGA-G.
Other names: c.3241_3244del, p.Ser1081fs (NM_001122670.2); c.3064_3067del, p.Ser1022fs (NM_001172436.2); short protein forms S1022fs, S1081fs, S1094fs.
Identifiers: ClinVar variation 3066215 (VCV003066215.1), dbSNP rs2522316418, ClinGen allele CA2694086346.

ClinVar aggregate classification (germline): Uncertain significance (1 of 4 stars; one submission).

Conditions:
Glycogen storage disease IXd (GSD9D). Also called: Muscle Phosphorylase Kinase Deficiency; GSD IXd. Identifiers: Orphanet 715, MedGen C1845151, MONDO:0010362, OMIM 300559.

Submission:

MVZ Medizinische Genetik Mainz
Classification: Uncertain significance for Glycogen storage disease IXd. Last evaluated: 2023-04-12. Review status: criteria provided, single submitter. Criteria: UK Practice Guidelines For Variant Classification V4 01 2020. Collection method: clinical testing. Allele origin: germline. Inheritance: X-linked recessive inheritance. Affected: yes. Observed: 1 variant allele.
Comment: ACMG Criteria: PVS1_STR,PM2_SUP